The following is an entry in ClinVar:

NM_003072.5(SMARCA4):c.915_916delinsCA (p.Gln306Lys)

Gene: SMARCA4 (SWI/SNF related BAF chromatin remodeling complex subunit ATPase 4; plus strand). Cytogenetic location: 19p13.2.
Variant type: Indel.
Coding change: c.915_916delinsCA on transcript NM_003072.5 (MANE Select); coding-DNA positions 915 to 916, GC replaced by CA.
Protein change: p.Gln306Lys; replaces glutamine 306 with lysine.
Molecular consequence: missense variant. On other transcripts: non-coding transcript variant (1).
Genome position (GRCh38, 1-based): chr19:10,987,721-10,987,722, GC replaced by CA. VCF-style: chr19-10987721-GC-CA. GRCh37 (hg19) VCF-style: chr19-11098397-GC-CA.
Other names: c.915_916delinsCA (NM_001128849.1); c.915_916delinsCA, p.Gln306Lys (NM_001128844.3, NM_001128845.2, NM_001128846.2 and 5 more transcripts); short protein forms Q306K.
Identifiers: ClinVar variation 573571 (VCV000573571.10), dbSNP rs1568426539, ClinGen allele CA891843857.
Genomic context (GRCh38, chr19:10,987,721, plus strand): 5'-CCCAGGACCCATGGCGAATGCTGCTGCCCCCACGAGCACCCCTCAGAAGCTGATTCCCCC[GC>CA]AGCCAACGGGCCGCCCTTCCCCCGCGCCCCCTGCCGTCCCACCCGCCGCCTCGCCCGTGA-3'
Protein context (NP_003063.2, residues 296-316): TSTPQKLIPP[Gln306Lys]PTGRPSPAPP

ClinVar aggregate classification (germline): Uncertain significance. Review status: criteria provided, multiple submitters, no conflicts (2 of 4 stars). 2 submissions from 2 submitters: Uncertain significance (2). Last evaluated 2024-04-30.

Conditions:
Hereditary cancer-predisposing syndrome. Also called: Neoplastic Syndromes, Hereditary; Hereditary Cancer Syndrome; Tumor predisposition; Hereditary neoplastic syndrome. Identifiers: Orphanet 140162, MedGen C0027672, MeSH D009386, MONDO:0015356.
Rhabdoid tumor predisposition syndrome 2 (RTPS2). Identifiers: Orphanet 231108, Orphanet 69077, MedGen C2750074, MONDO:0013224, OMIM 613325.

Submissions (2):

Ambry Genetics
Classification: Uncertain significance for Hereditary cancer-predisposing syndrome. Last evaluated: 2024-04-30. Review status: criteria provided, single submitter. Criteria: Ambry Variant Classification Scheme 2023. Collection method: clinical testing. Allele origin: germline.
Comment: The c.915_916delGCinsCA variant (also known as p.Q306K), located in coding exon 5 of the SMARCA4 gene, results from an in-frame deletion of GC and insertion of CA at nucleotide positions 915 to 916. This results in the substitution of the glutamine residue for a lysine residue at codon 306, an amino acid with similar properties. This amino acid position is well conserved in available vertebrate species. In addition, this alteration is predicted to be neutral by in silico analysis (Choi Y et al. PLoS ONE. 2012; 7(10):e46688). Since supporting evidence is limited at this time, the clinical significance of this alteration remains unclear.

Labcorp Genetics (formerly Invitae), Labcorp
Classification: Uncertain significance for Rhabdoid tumor predisposition syndrome 2. Last evaluated: 2019-05-30. Review status: criteria provided, single submitter. Criteria: Invitae Variant Classification Sherloc (09022015). Collection method: clinical testing. Allele origin: germline.
Comment: In summary, the available evidence is currently insufficient to determine the role of this variant in disease. Therefore, it has been classified as a Variant of Uncertain Significance. Algorithms developed to predict the effect of missense changes on protein structure and function (SIFT, PolyPhen-2, Align-GVGD) all suggest that this variant is likely to be disruptive, but these predictions have not been confirmed by published functional studies and their clinical significance is uncertain. This sequence change replaces glutamine with lysine at codon 306 of the SMARCA4 protein (p.Gln306Lys). The glutamine residue is highly conserved and there is a small physicochemical difference between glutamine and lysine. This variant is not present in population databases (ExAC no frequency). This variant has not been reported in the literature in individuals with SMARCA4-related disease. ClinVar contains an entry for this variant (Variation ID: 573571).